The following is an entry in ClinVar:

ClinVar aggregate classification (germline): Benign (1 of 4 stars; one submission).

Submission:

CeGaT Center for Human Genetics Tuebingen
Classification: Benign. Last evaluated: 2023-07-01. Review status: criteria provided, single submitter. Criteria: CeGaT Center For Human Genetics Tuebingen Variant Classification Criteria Version 2. Collection method: clinical testing. Allele origin: germline. Affected: yes. Observed: 11 variant alleles.
Comment: ASXL1: BS1, BS2

NM_015338.6(ASXL1):c.-88GCC[5]

Gene: ASXL1 (ASXL transcriptional regulator 1; plus strand). Cytogenetic location: 20q11.21.
Variant type: Microsatellite.
Coding change: c.-88GCC[5] on transcript NM_015338.6 (MANE Select); five copies in a row of the 3-base unit GCC starting at c.-88; the reference has four copies in a row; one copy, 3 bases duplicated.
Molecular consequence: 5 prime UTR variant.
Genome position (GRCh38, 1-based): chr20:32,358,697-32,358,699, GCC duplicated; duplicating any 3 consecutive bases within chr20:32,358,686-32,358,699 gives the same sequence; the position shown is the placement nearest the transcript's 3' end. VCF-style (leftmost placement, unchanged base first): chr20-32358685-A-ACCG. GRCh37 (hg19) VCF-style: chr20-30946488-A-ACCG.
Other names: c.-88GCC[5] (NM_001164603.1).
Identifiers: ClinVar variation 338072 (VCV000338072.36), dbSNP rs886056593, ClinGen allele CA10649536.